The following is an entry in ClinVar:

NM_004260.4(RECQL4):c.1796T>G (p.Val599Gly)

Gene: RECQL4 (RecQ like helicase 4; minus strand). Cytogenetic location: 8q24.3.
Variant type: single nucleotide variant.
Coding change: c.1796T>G on transcript NM_004260.4 (MANE Select); coding-DNA position 1796, T replaced by G.
Protein change: p.Val599Gly; replaces valine 599 with glycine.
Molecular consequence: missense variant. On other transcripts: non-coding transcript variant (3), intron variant (3).
Genome position (GRCh38, 1-based): chr8:144,514,271, A>C on the plus strand (T>G on the coding strand, the complement: RECQL4 is on the minus strand). VCF-style: chr8-144514271-A-C. GRCh37 (hg19) VCF-style: chr8-145739655-A-C.
Other names: c.1700T>G, p.Val567Gly (NM_001413017.1, NM_001413020.1); c.1796T>G, p.Val599Gly (NM_001413018.1, NM_001413019.1, NM_001413036.1); c.725T>G, p.Val242Gly (NM_001413021.1, NM_001413022.1, NM_001413023.1 and 6 more transcripts); c.1667T>G, p.Val556Gly (NM_001413025.1); c.659T>G, p.Val220Gly (NM_001413027.1, NM_001413030.1, NM_001413032.1 and 1 more transcripts); c.1445T>G, p.Val482Gly (NM_001413029.1); c.1766T>G, p.Val589Gly (NM_001413039.1); c.695T>G, p.Val232Gly (NM_001413042.1); and 4 more; short protein forms V220G, V567G, V589G, V110G, V242G, V482G, V556G, V232G.
Identifiers: ClinVar variation 3944246 (VCV003944246.1).

ClinVar aggregate classification (germline): Uncertain significance (1 of 4 stars; one submission).

Conditions:
Inborn genetic diseases. Identifiers: MedGen C0950123, MeSH D030342.

Submission:

Ambry Genetics
Classification: Uncertain significance for Inborn genetic diseases. Last evaluated: 2025-03-24. Review status: criteria provided, single submitter. Criteria: Ambry Variant Classification Scheme 2023. Collection method: clinical testing. Allele origin: germline.
Comment: The p.V599G variant (also known as c.1796T>G), located in coding exon 11 of the RECQL4 gene, results from a T to G substitution at nucleotide position 1796. The valine at codon 599 is replaced by glycine, an amino acid with dissimilar properties. This amino acid position is conserved. In addition, this alteration is predicted to be deleterious by in silico analysis. Based on the available evidence, the clinical significance of this variant remains unclear.